The following is an entry in ClinVar:

NM_000388.4(CASR):c.767T>C (p.Val256Ala)

Gene: CASR (calcium sensing receptor; plus strand). Cytogenetic location: 3q21.1.
Variant type: single nucleotide variant.
Coding change: c.767T>C on transcript NM_000388.4 (MANE Select); coding-DNA position 767, T replaced by C.
Protein change: p.Val256Ala; replaces valine 256 with alanine.
Molecular consequence: missense variant.
Genome position (GRCh38, 1-based): chr3:122,261,802, T>C. VCF-style: chr3-122261802-T-C. GRCh37 (hg19) VCF-style: chr3-121980649-T-C.
Other names: c.767T>C, p.Val256Ala (NM_001178065.2); short protein forms V256A.
Identifiers: ClinVar variation 948876 (VCV000948876.12), dbSNP rs2074626876, ClinGen allele CA354151313.

ClinVar aggregate classification (germline): Uncertain significance. Review status: criteria provided, multiple submitters, no conflicts (2 of 4 stars). 3 submissions from 3 submitters: Uncertain significance (3). Last evaluated 2022-11-11.

Conditions:
Familial hypocalciuric hypercalcemia (FHH). Also called: Familial benign hypercalcemia. Identifiers: Orphanet 405, MedGen C1809471, MONDO:0018458.
Autosomal dominant hypocalcemia 1 (HYPOC1). Also called: HYPOCALCEMIA, FAMILIAL. Identifiers: MedGen C3715128, MONDO:0011013, OMIM 601198.
Nephrolithiasis/nephrocalcinosis. Identifiers: MedGen CN580796.

Allele frequency attached by ClinVar (database versions not stated): gnomAD exomes below 0.00001.
gnomAD v4.1: 3 of 1,614,214 alleles (0.00019%); highest among the groups gnomAD compares: Non-Finnish European, 0.00025%; no homozygotes.

Submissions (3):

GeneDx
Classification: Uncertain significance. Last evaluated: 2022-11-11. Review status: criteria provided, single submitter. Criteria: GeneDx Variant Classification Process June 2021. Collection method: clinical testing. Allele origin: germline. Affected: yes.
Comment: Not observed at significant frequency in large population cohorts (gnomAD); In silico analysis supports that this missense variant has a deleterious effect on protein structure/function; Has not been previously published as pathogenic or benign to our knowledge

Ambry Genetics
Classification: Uncertain significance for Nephrolithiasis/nephrocalcinosis. Last evaluated: 2021-10-06. Review status: criteria provided, single submitter. Criteria: Ambry Variant Classification Scheme 2023. Collection method: clinical testing. Allele origin: germline.
Comment: The p.V256A variant (also known as c.767T>C), located in coding exon 3 of the CASR gene, results from a T to C substitution at nucleotide position 767. The valine at codon 256 is replaced by alanine, an amino acid with similar properties. This amino acid position is conserved. In addition, the in silico prediction for this alteration is inconclusive. Since supporting evidence is limited at this time, the clinical significance of this alteration remains unclear.

Labcorp Genetics (formerly Invitae), Labcorp
Classification: Uncertain significance for Familial hypocalciuric hypercalcemia; Autosomal dominant hypocalcemia 1. Last evaluated: 2020-08-26. Review status: criteria provided, single submitter. Criteria: Invitae Variant Classification Sherloc (09022015). Collection method: clinical testing. Allele origin: germline.
Comment: This sequence change replaces valine with alanine at codon 256 of the CASR protein (p.Val256Ala). The valine residue is highly conserved and there is a small physicochemical difference between valine and alanine. This variant is not present in population databases (ExAC no frequency). This variant has not been reported in the literature in individuals with CASR-related conditions. Algorithms developed to predict the effect of missense changes on protein structure and function (SIFT, PolyPhen-2, Align-GVGD) all suggest that this variant is likely to be tolerated, but these predictions have not been confirmed by published functional studies and their clinical significance is uncertain. In summary, the available evidence is currently insufficient to determine the role of this variant in disease. Therefore, it has been classified as a Variant of Uncertain Significance.